The following is an entry in ClinVar:

ClinVar aggregate classification (germline): Likely benign (1 of 4 stars; one submission).

Allele frequency attached by ClinVar (database versions not stated): gnomAD exomes 0.00046; gnomAD 0.00058; TOPMed 0.00067; ExAC 0.00068; ESP Exome Variant Server 0.00085.
gnomAD v4.1: 821 of 1,612,580 alleles (0.051%); highest among the groups gnomAD compares: Admixed American, 0.04%; 5 homozygotes.

Submission:

CeGaT Center for Human Genetics Tuebingen
Classification: Likely benign. Last evaluated: 2024-11-01. Review status: criteria provided, single submitter. Criteria: CeGaT Center For Human Genetics Tuebingen Variant Classification Criteria Version 2. Collection method: clinical testing. Allele origin: germline. Affected: yes. Observed: 2 variant alleles.
Comment: COL14A1: BP4, BS1

NM_021110.4(COL14A1):c.2855T>C (p.Ile952Thr)

Gene: COL14A1 (collagen type XIV alpha 1 chain; plus strand). Cytogenetic location: 8q24.12.
Variant type: single nucleotide variant.
Coding change: c.2855T>C on transcript NM_021110.4 (MANE Select); coding-DNA position 2855, T replaced by C.
Protein change: p.Ile952Thr; replaces isoleucine 952 with threonine.
Molecular consequence: missense variant.
Genome position (GRCh38, 1-based): chr8:120,255,342, T>C. VCF-style: chr8-120255342-T-C. GRCh37 (hg19) VCF-style: chr8-121267581-T-C.
Other names: c.2855T>C, p.Ile952Thr (NM_001384947.1, NM_001413490.1, NM_001413491.1 and 4 more transcripts); c.2768T>C, p.Ile923Thr (NM_001413495.1, NM_001413497.1, NM_001413498.1); c.503T>C, p.Ile168Thr (NM_001413499.1, NM_001413500.1); short protein forms I168T, I923T, I952T.
Identifiers: ClinVar variation 3250602 (VCV003250602.18), dbSNP rs141272095.
Genomic context (GRCh38, chr8:120,255,342, plus strand): 5'-TGACCAGCTTGTGTGCCCACTGGCAGGTACATCGCCATGCCACAGCCTATAGGGTTGTTA[T>C]AGAATCCCTCCAGGGTGAGTACAATCCATCACTTACGTTTTTGTCAAGCATTTGTGTATT-3'
Protein context (NP_066933.1, residues 942-962): HRHATAYRVV[Ile952Thr]ESLQDRQKQE